The following is an entry in ClinVar:

NM_001098.3(ACO2):c.1154G>T (p.Cys385Phe)

Gene: ACO2 (aconitase 2; plus strand). Cytogenetic location: 22q13.2.
Variant type: single nucleotide variant.
Coding change: c.1154G>T on transcript NM_001098.3 (MANE Select); coding-DNA position 1154, G replaced by T.
Protein change: p.Cys385Phe; replaces cysteine 385 with phenylalanine.
Molecular consequence: missense variant.
Genome position (GRCh38, 1-based): chr22:41,522,845, G>T. VCF-style: chr22-41522845-G-T. GRCh37 (hg19) VCF-style: chr22-41918849-G-T.
Other names: short protein forms C385F.
Identifiers: ClinVar variation 1505432 (VCV001505432.8), dbSNP rs2146134793, ClinGen allele CA411724636.
Genomic context (GRCh38, chr22:41,522,845, plus strand): 5'-ACTGTCTCCTCCTGACCCTTAACCCCACCACCCACAATGCACCAGGTCTAATTGGTAGCT[G>T]CACCAATTCAAGCTATGAAGATATGGGGCGCTCAGCAGCTGTGGCCAAGCAGGCACTGGC-3'
Protein context (NP_001089.1, residues 375-395): LDIRVGLIGS[Cys385Phe]TNSSYEDMGR

ClinVar aggregate classification (germline): Uncertain significance (1 of 4 stars; one submission).

Submission:

Labcorp Genetics (formerly Invitae), Labcorp
Classification: Uncertain significance. Last evaluated: 2022-10-13. Review status: criteria provided, single submitter. Criteria: Invitae Variant Classification Sherloc (09022015). Collection method: clinical testing. Allele origin: germline.
Comment: ClinVar contains an entry for this variant (Variation ID: 1505432). Advanced modeling of protein sequence and biophysical properties (such as structural, functional, and spatial information, amino acid conservation, physicochemical variation, residue mobility, and thermodynamic stability) performed at Invitae indicates that this missense variant is expected to disrupt ACO2 protein function. Algorithms developed to predict the effect of sequence changes on RNA splicing suggest that this variant may create or strengthen a splice site. In summary, the available evidence is currently insufficient to determine the role of this variant in disease. Therefore, it has been classified as a Variant of Uncertain Significance. This sequence change replaces cysteine, which is neutral and slightly polar, with phenylalanine, which is neutral and non-polar, at codon 385 of the ACO2 protein (p.Cys385Phe). This variant is not present in population databases (gnomAD no frequency). This variant has not been reported in the literature in individuals affected with ACO2-related conditions.